The following is an entry in ClinVar:

NM_001711.6(BGN):c.437C>T (p.Ser146Phe)

Gene: BGN (biglycan; plus strand). Cytogenetic location: Xq28.
Variant type: single nucleotide variant.
Coding change: c.437C>T on transcript NM_001711.6 (MANE Select); coding-DNA position 437, C replaced by T.
Protein change: p.Ser146Phe; replaces serine 146 with phenylalanine.
Molecular consequence: missense variant.
Genome position (GRCh38, 1-based): chrX:153,505,948, C>T. VCF-style: chrX-153505948-C-T. GRCh37 (hg19) VCF-style: chrX-152771406-C-T.
Other names: short protein forms S146F.
Identifiers: ClinVar variation 4206899 (VCV004206899.1).
Genomic context (GRCh38, chrX:153,505,948, plus strand): 5'-TCTCCAAGATCCATGAGAAGGCCTTCAGCCCACTGCGGAAGCTGCAGAAGCTCTACATCT[C>T]CAAGAACCACCTGGTGGAGATCCCGCCCAACCTACCCAGCTCCCTGGTGGAGCTCCGCAT-3'
Protein context (NP_001702.1, residues 136-156): PLRKLQKLYI[Ser146Phe]KNHLVEIPPN

ClinVar aggregate classification (germline): Uncertain significance (1 of 4 stars; one submission).

Conditions:
Cardiovascular phenotype. Identifiers: MedGen CN230736.

Submission:

Ambry Genetics
Classification: Uncertain significance for Cardiovascular phenotype. Last evaluated: 2025-09-12. Review status: criteria provided, single submitter. Criteria: Ambry Variant Classification Scheme 2023. Collection method: clinical testing. Allele origin: germline.
Comment: The p.S146F variant (also known as c.437C>T), located in coding exon 3 of the BGN gene, results from a C to T substitution at nucleotide position 437. The serine at codon 146 is replaced by phenylalanine, an amino acid with highly dissimilar properties. This amino acid position is conserved. In addition, this alteration is predicted to be deleterious by in silico analysis. Based on the available evidence, the clinical significance of this variant remains unclear.